The following is an entry in ClinVar:

NM_004369.4(COL6A3):c.8804C>A (p.Ala2935Glu)

Gene: COL6A3 (collagen type VI alpha 3 chain; minus strand). Cytogenetic location: 2q37.3.
Variant type: single nucleotide variant.
Coding change: c.8804C>A on transcript NM_004369.4 (MANE Select); coding-DNA position 8804, C replaced by A.
Protein change: p.Ala2935Glu; replaces alanine 2935 with glutamic acid.
Molecular consequence: missense variant.
Genome position (GRCh38, 1-based): chr2:237,336,296, G>T on the plus strand (C>A on the coding strand, the complement: COL6A3 is on the minus strand). VCF-style: chr2-237336296-G-T. GRCh37 (hg19) VCF-style: chr2-238244939-G-T.
Other names: c.6983C>A, p.Ala2328Glu (NM_057166.5); c.8186C>A, p.Ala2729Glu (NM_057167.4); short protein forms A2328E, A2935E, A2729E.
Identifiers: ClinVar variation 645409 (VCV000645409.9), dbSNP rs36020669, ClinGen allele CA2187442.

ClinVar aggregate classification (germline): Uncertain significance (1 of 4 stars; one submission).

Conditions:
Bethlem myopathy 1A. Also called: Bethlem Muscular Dystrophy; Bethlem myopathy 1; MYOPATHY, BENIGN CONGENITAL, WITH CONTRACTURES. Identifiers: Orphanet 610, MedGen CN029274, MONDO:0024530, OMIM 158810.

gnomAD v4.1: 6 of 1,613,008 alleles (0.00037%); highest among the groups gnomAD compares: South Asian, 0.0055%; no homozygotes.

Submission:

Labcorp Genetics (formerly Invitae), Labcorp
Classification: Uncertain significance for Bethlem myopathy 1A. Last evaluated: 2021-07-19. Review status: criteria provided, single submitter. Criteria: Invitae Variant Classification Sherloc (09022015). Collection method: clinical testing. Allele origin: germline.
Comment: In summary, the available evidence is currently insufficient to determine the role of this variant in disease. Therefore, it has been classified as a Variant of Uncertain Significance. Algorithms developed to predict the effect of missense changes on protein structure and function (SIFT, PolyPhen-2, Align-GVGD) all suggest that this variant is likely to be tolerated, but these predictions have not been confirmed by published functional studies and their clinical significance is uncertain. This variant has not been reported in the literature in individuals with COL6A3-related disease. This variant is present in population databases (rs36020669, ExAC 0.006%). This sequence change replaces alanine with glutamic acid at codon 2935 of the COL6A3 protein (p.Ala2935Glu). The alanine residue is weakly conserved and there is a moderate physicochemical difference between alanine and glutamic acid.